The following is an entry in ClinVar:

ClinVar aggregate classification (germline): Uncertain significance (1 of 4 stars; one submission).

Conditions:
Hereditary cancer-predisposing syndrome. Also called: Neoplastic Syndromes, Hereditary; Tumor predisposition; Hereditary Cancer Syndrome; Hereditary neoplastic syndrome. Identifiers: Orphanet 140162, MedGen C0027672, MeSH D009386, MONDO:0015356.

Submission:

Color Diagnostics, LLC DBA Color Health
Classification: Uncertain significance for Hereditary cancer-predisposing syndrome. Last evaluated: 2024-04-02. Review status: criteria provided, single submitter. Criteria: ACMG Guidelines, 2015. Collection method: clinical testing. Allele origin: germline.
Comment: This variant causes an in-frame deletion of one amino acid in exon 9 of the STK11 protein. To our knowledge, functional studies have not been reported for this variant. This variant has not been reported in individuals affected with STK11-related disorders in the literature. This variant has not been identified in the general population by the Genome Aggregation Database (gnomAD). The available evidence is insufficient to determine the role of this variant in disease conclusively. Therefore, this variant is classified as a Variant of Uncertain Significance.

NM_000455.5(STK11):c.1272CCG[1] (p.Arg426del)

Gene: STK11 (serine/threonine kinase 11; plus strand). Cytogenetic location: 19p13.3.
Variant type: Microsatellite.
Coding change: c.1272CCG[1] on transcript NM_000455.5 (MANE Select); one copy of the 3-base unit CCG starting at c.1272; the reference has two copies in a row; one copy, 3 bases deleted; also written c.1275_1277del.
Protein change: p.Arg426del; deletes arginine 426.
Molecular consequence: non-coding transcript variant (on NR_176325.1).
Genome position (GRCh38, 1-based): chr19:1,226,620-1,226,622, CCG deleted; deleting any 3 consecutive bases within chr19:1,226,617-1,226,622 gives the same sequence; the position shown is the placement nearest the transcript's 3' end. VCF-style (leftmost placement, unchanged base first): chr19-1226616-TCCG-T. GRCh37 (hg19) VCF-style: chr19-1226615-TCCG-T.
Other names: c.1275_1277del (NM_000455.5); short protein forms R426del.
Identifiers: ClinVar variation 3893705 (VCV003893705.1).